The following is an entry in ClinVar:

ClinVar aggregate classification (germline): Likely pathogenic (1 of 4 stars; one submission).

Conditions:
TH-deficient dopa-responsive dystonia. Also called: Tyrosine Hydroxylase-Deficient Dopa-Responsive Dystonia; Segawa syndrome, autosomal recessive; DYT-TH. Identifiers: Orphanet 101150, MedGen C2673535, MONDO:0011551, OMIM 605407.

Submission:

Labcorp Genetics (formerly Invitae), Labcorp
Classification: Likely pathogenic for TH-deficient dopa-responsive dystonia. Last evaluated: 2024-03-14. Review status: criteria provided, single submitter. Criteria: Invitae Variant Classification Sherloc (09022015). Collection method: clinical testing. Allele origin: germline.
Comment: This sequence change affects a donor splice site in intron 10 of the TH gene. It is expected to disrupt RNA splicing. Variants that disrupt the donor or acceptor splice site typically lead to a loss of protein function (PMID: 16199547), and loss-of-function variants in TH are known to be pathogenic (PMID: 22264700, 24753243). This variant is not present in population databases (gnomAD no frequency). This variant has not been reported in the literature in individuals affected with TH-related conditions. Algorithms developed to predict the effect of sequence changes on RNA splicing suggest that this variant may disrupt the consensus splice site. In summary, the currently available evidence indicates that the variant is pathogenic, but additional data are needed to prove that conclusively. Therefore, this variant has been classified as Likely Pathogenic.

Literature cited by the submitters: PubMed 16199547; PubMed 22264700; PubMed 24753243.

NM_000360.4(TH):c.1047+1G>A

Gene: TH (tyrosine hydroxylase; minus strand). Cytogenetic location: 11p15.5.
Variant type: single nucleotide variant.
Coding change: c.1047+1G>A on transcript NM_000360.4 (MANE Select); the canonical splice donor site of the intron after coding-DNA position 1047, G replaced by A.
Molecular consequence: splice donor variant.
Genome position (GRCh38, 1-based): chr11:2,166,479, C>T on the plus strand (G>A on the coding strand, the complement: TH is on the minus strand). VCF-style: chr11-2166479-C-T. GRCh37 (hg19) VCF-style: chr11-2187709-C-T.
Other names: c.1128+1G>A (NM_199293.3); c.1140+1G>A (NM_199292.3).
Identifiers: ClinVar variation 3678351 (VCV003678351.2).